The following is an entry in ClinVar:

NM_178857.6(RP1L1):c.7063G>A (p.Ala2355Thr)

Gene: RP1L1 (RP1 like 1). Cytogenetic location: 8p23.1.
Variant type: single nucleotide variant.
Coding change: c.7063G>A on transcript NM_178857.6 (MANE Select); coding-DNA position 7063, G replaced by A.
Protein change: p.Ala2355Thr; replaces alanine 2355 with threonine.
Molecular consequence: missense variant.
Genome position (GRCh38, 1-based): chr8:10,607,035, C>T on the plus strand (G>A on the coding strand, the complement: RP1L1 is on the minus strand). VCF-style: chr8-10607035-C-T. GRCh37 (hg19) VCF-style: chr8-10464545-C-T.
Other names: short protein forms A2355T.
Identifiers: ClinVar variation 4978558 (VCV004978558.1).
Genomic context (GRCh38, chr8:10,607,035, plus strand): 5'-CCTCTTGTAGGTCATAACCTTCACTGGCCCCCTGCTCTGGAGTCCTTGAGCCCAAAGGGG[C>T]CTCTTCTTGCTCAGAAGTAGAACTTTCTGGGTACATCCTGGTGGCCTTCCTCTCTGCATG-3'
Protein context (NP_849188.4, residues 2345-2365): PESSTSEQEE[Ala2355Thr]PLGSRTPEQG

ClinVar aggregate classification (germline): Uncertain significance (1 of 4 stars; one submission).

Conditions:
RP1L1-related disorder. Also called: RP1L1-related condition.

gnomAD v4.1: 26 of 1,614,230 alleles (0.0016%); highest among the groups gnomAD compares: African/African-American, 0.029%; no homozygotes.

Submission:

PreventionGenetics, part of Exact Sciences
Classification: Uncertain significance for RP1L1-related condition. Last evaluated: 2025-05-05. Review status: criteria provided, single submitter. Criteria: ACMG Guidelines, 2015. Collection method: clinical testing. Allele origin: germline.
Comment: The RP1L1 c.7063G>A variant is predicted to result in the amino acid substitution p.Ala2355Thr. To our knowledge, this variant has not been reported in the literature. This variant is reported in 0.029% of alleles in individuals of African descent in gnomAD. At this time, the clinical significance of this variant is uncertain due to the absence of conclusive functional and genetic evidence.